The following is an entry in ClinVar:

ClinVar aggregate classification (germline): Uncertain significance (1 of 4 stars; one submission).

Allele frequency attached by ClinVar (database versions not stated): ExAC 0.00001; gnomAD 0.00003; TOPMed 0.00003.
gnomAD v4.1: 8 of 1,613,796 alleles (0.0005%); highest among the groups gnomAD compares: African/African-American, 0.008%; no homozygotes.

Submission:

Labcorp Genetics (formerly Invitae), Labcorp
Classification: Uncertain significance. Last evaluated: 2024-02-24. Review status: criteria provided, single submitter. Criteria: Invitae Variant Classification Sherloc (09022015). Collection method: clinical testing. Allele origin: germline.
Comment: This sequence change replaces glutamic acid, which is acidic and polar, with lysine, which is basic and polar, at codon 245 of the MS4A1 protein (p.Glu245Lys). This variant is present in population databases (rs780339737, gnomAD 0.01%). This variant has not been reported in the literature in individuals affected with MS4A1-related conditions. ClinVar contains an entry for this variant (Variation ID: 1956018). An algorithm developed to predict the effect of missense changes on protein structure and function (PolyPhen-2) suggests that this variant is likely to be tolerated. In summary, the available evidence is currently insufficient to determine the role of this variant in disease. Therefore, it has been classified as a Variant of Uncertain Significance.

NM_152866.3(MS4A1):c.733G>A (p.Glu245Lys)

Gene: MS4A1 (membrane spanning 4-domains A1; plus strand). Cytogenetic location: 11q12.2.
Variant type: single nucleotide variant.
Coding change: c.733G>A on transcript NM_152866.3 (MANE Select); coding-DNA position 733, G replaced by A.
Protein change: p.Glu245Lys; replaces glutamic acid 245 with lysine.
Molecular consequence: missense variant.
Genome position (GRCh38, 1-based): chr11:60,468,307, G>A. VCF-style: chr11-60468307-G-A. GRCh37 (hg19) VCF-style: chr11-60235780-G-A.
Other names: c.733G>A, p.Glu245Lys (NM_021950.4, NM_152867.2); short protein forms E245K.
Identifiers: ClinVar variation 1956018 (VCV001956018.5), dbSNP rs780339737, ClinGen allele CA6025082.